The following is an entry in ClinVar:

NM_007294.4(BRCA1):c.2155_2161del (p.Lys719fs)

Gene: BRCA1 (BRCA1 DNA repair associated; minus strand). Cytogenetic location: 17q21.31.
Variant type: Deletion.
Coding change: c.2155_2161del on transcript NM_007294.4 (MANE Select); coding-DNA positions 2155 to 2161, 7 bases deleted (AAAGAAT; older notation c.2155_2161delAAAGAAT).
Protein change: p.Lys719fs; shifts the reading frame from lysine 719.
Molecular consequence: frameshift variant. On other transcripts: intron variant (137).
Genome position (GRCh38, 1-based): chr17:43,093,370-43,093,376, ATTCTTT deleted on the plus strand (AAAGAAT on the coding strand, the reverse complement: BRCA1 is on the minus strand); deleting any 7 consecutive bases within chr17:43,093,370-43,093,377 gives the same sequence; the c. name uses the placement nearest the transcript's 3' end. VCF-style (leftmost placement, unchanged base first): chr17-43093369-AATTCTTT-A. GRCh37 (hg19) VCF-style: chr17-41245386-AATTCTTT-A.
Other names: c.671-2344_671-2338del (NM_001408418.1, NM_001408422.1, NM_001408423.1 and 2 more transcripts); c.787+1368_787+1374del (NM_001407981.1, NM_007298.4, NM_001407978.1 and 17 more transcripts); c.643+1368_643+1374del (NM_001408462.1, NM_001408463.1, NM_001408465.1 and 3 more transcripts); c.709+1368_709+1374del (NM_001408414.1, NM_001408411.1, NM_001408415.1 and 2 more transcripts); c.577+1368_577+1374del (NM_001408514.1, NM_001408485.1, NM_001408483.1 and 9 more transcripts); c.661+1368_661+1374del (NM_001408447.1, NM_001408433.1, NM_001408450.1 and 6 more transcripts); c.784+1368_784+1374del (NM_001408400.1, NM_001408392.1, NM_001407986.1 and 13 more transcripts); c.664+1368_664+1374del (NM_001408441.1, NM_001408437.1, NM_001408429.1 and 12 more transcripts); and 41 more; short protein forms K423fs, K551fs, K591fs, K592fs, K607fs, K608fs, K630fs, K631fs.
Identifiers: ClinVar variation 2674451 (VCV002674451.1), dbSNP rs2552192660, ClinGen allele CA2695201347.
Genomic context (GRCh38, chr17:43,093,369, plus strand): 5'-GACACTTTAACTGTTTCTAGTTTCTCTTCTTTTTCTTCTCTTGGAAGGCTAGGATTGACA[AATTCTTT>A]AAGTTCACTGGTATTTGAACACTTAGTAAAAGAACCAGGTGCATTTGTTAACTTCAGCTC-3'

ClinVar aggregate classification (germline): Pathogenic (1 of 4 stars; one submission).

Conditions:
Breast-ovarian cancer, familial, susceptibility to, 1 (BROVCA1). Also called: BRCA1 Hereditary Breast and Ovarian Cancer; OVARIAN CANCER, SUSCEPTIBILITY TO. Identifiers: Orphanet 145, MedGen C2676676, MONDO:0011450, OMIM 604370. Disease mechanism: loss of function.

Submission:

Myriad Genetics, Inc.
Classification: Pathogenic for Breast-ovarian cancer, familial, susceptibility to, 1. Last evaluated: 2023-08-18. Review status: criteria provided, single submitter. Criteria: Myriad Autosomal Dominant, Autosomal Recessive and X-Linked Classification Criteria (2023). Collection method: clinical testing. Allele origin: unknown.
Comment: This variant is considered pathogenic. This variant creates a frameshift predicted to result in premature protein truncation.